The following is an entry in ClinVar:

ClinVar aggregate classification (germline): Uncertain significance (1 of 4 stars; one submission).

Conditions:
Maturity-onset diabetes of the young type 4 (MODY4). Also called: Maturity-onset diabetes of the young, type IV; MODY, type IV. Identifiers: Orphanet 552, MedGen C1833382, MONDO:0011667, OMIM 606392.

Allele frequency attached by ClinVar (database versions not stated): gnomAD exomes below 0.00001.

Submission:

Neuberg Centre For Genomic Medicine, NCGM
Classification: Uncertain significance for Maturity-onset diabetes of the young type 4. Review status: criteria provided, single submitter. Criteria: ACMG Guidelines, 2015. Collection method: clinical testing. Allele origin: germline. Affected: yes.
Comment: The missense variant p.H94Q in PDX1 (NM_000209.4) has not been reported previously as a pathogenic variant nor as a benign variant, to our knowledge. The p.H94Q variant is novel (not in any individuals) in gnomAD Exomes and is novel (not in any individuals) in 1000 Genomes. The p.H94Q missense variant is predicted to be tolerated by both SIFT or PolyPhen2. The nucleotide c.282 in PDX1 is not conserved according to a GERP++ and PhyloP analysis of 100 vertebrates. For these reasons, this variant has been classified as Uncertain Significance.

NM_000209.4(PDX1):c.282C>G (p.His94Gln)

Gene: PDX1 (pancreatic and duodenal homeobox 1; plus strand). Cytogenetic location: 13q12.2.
Variant type: single nucleotide variant.
Coding change: c.282C>G on transcript NM_000209.4 (MANE Select); coding-DNA position 282, C replaced by G.
Protein change: p.His94Gln; replaces histidine 94 with glutamine.
Molecular consequence: missense variant.
Genome position (GRCh38, 1-based): chr13:27,920,420, C>G. VCF-style: chr13-27920420-C-G. GRCh37 (hg19) VCF-style: chr13-28494557-C-G.
Other names: short protein forms H94Q.
Identifiers: ClinVar variation 1339118 (VCV001339118.2), dbSNP rs2137502663, ClinGen allele CA387644784.